The following is an entry in ClinVar:

NM_001127511.3(APC):c.152C>T (p.Ala51Val)

Gene: APC (APC regulator of Wnt signaling pathway; plus strand). Cytogenetic location: 5q22.2.
Variant type: single nucleotide variant.
Coding change: c.152C>T on transcript NM_001127511.3; coding-DNA position 152, C replaced by T.
Protein change: p.Ala51Val; replaces alanine 51 with valine.
Molecular consequence: missense variant. On other transcripts: 5 prime UTR variant (8), non-coding transcript variant (1), intron variant (5).
Genome position (GRCh38, 1-based): chr5:112,707,869, C>T. VCF-style: chr5-112707869-C-T. GRCh37 (hg19) VCF-style: chr5-112043566-C-T.
Other names: c.-32C>T (NM_001354895.2, NM_001407447.1, NM_001407452.1 and 3 more transcripts); c.152C>T, p.Ala51Val (NM_001354897.2, NM_001354902.2, NM_001407446.1); c.-1067C>T (NM_001407470.1, NM_001407472.1); c.-19+220C>T (NM_001407448.1, NM_001407450.1, NM_001407457.1 and 1 more transcripts); c.-43+220C>T (NM_001407453.1); short protein forms A51V.
Identifiers: ClinVar variation 1062203 (VCV001062203.9), dbSNP rs1373162519, ClinGen allele CA360612179.

ClinVar aggregate classification (germline): Uncertain significance (1 of 4 stars; one submission).

Conditions:
Familial adenomatous polyposis 1 (FAP1). Also called: FAMILIAL ADENOMATOUS POLYPOSIS 1, ATTENUATED; POLYPOSIS, ADENOMATOUS INTESTINAL. Identifiers: MedGen C2713442, MONDO:0021056, OMIM 175100. Disease mechanism: loss of function.

Allele frequency attached by ClinVar (database versions not stated): gnomAD 0.00001.

Submission:

Labcorp Genetics (formerly Invitae), Labcorp
Classification: Uncertain significance for Familial adenomatous polyposis 1. Last evaluated: 2024-06-11. Review status: criteria provided, single submitter. Criteria: Invitae Variant Classification Sherloc (09022015). Collection method: clinical testing. Allele origin: germline.
Comment: This variant occurs in a non-coding region of the APC gene. It does not change the encoded amino acid sequence of the APC protein. This variant is present in population databases (no rsID available, gnomAD 0.007%). This variant has not been reported in the literature in individuals affected with APC-related conditions. Experimental studies and prediction algorithms are not available or were not evaluated, and the functional significance of this variant is currently unknown. In summary, the available evidence is currently insufficient to determine the role of this variant in disease. Therefore, it has been classified as a Variant of Uncertain Significance.